The following is an entry in ClinVar:

NM_000742.4(CHRNA2):c.603_616del (p.Phe201fs)

Gene: CHRNA2 (cholinergic receptor nicotinic alpha 2 subunit; minus strand). Cytogenetic location: 8p21.2.
Variant type: Deletion.
Coding change: c.603_616del on transcript NM_000742.4 (MANE Select); coding-DNA positions 603 to 616, 14 bases deleted (TGGCTCCTGGACTT).
Protein change: p.Phe201fs; shifts the reading frame from phenylalanine 201.
Molecular consequence: frameshift variant.
Genome position (GRCh38, 1-based): chr8:27,463,827-27,463,840, AAGTCCAGGAGCCA deleted on the plus strand (TGGCTCCTGGACTT on the coding strand, the reverse complement: CHRNA2 is on the minus strand); deleting any 14 consecutive bases within chr8:27,463,827-27,463,842 gives the same sequence; the c. name uses the placement nearest the transcript's 3' end. VCF-style (leftmost placement, unchanged base first): chr8-27463826-TAAGTCCAGGAGCCA-T. GRCh37 (hg19) VCF-style: chr8-27321343-TAAGTCCAGGAGCCA-T.
Other names: c.558_571del, p.Phe186fs (NM_001282455.2); c.126_139del, p.Phe42fs (NM_001347705.2, NM_001347706.2); c.9_22del, p.Phe3fs (NM_001347707.2, NM_001347708.2); short protein forms F186fs, F3fs, F201fs, F42fs.
Identifiers: ClinVar variation 2873855 (VCV002873855.3), dbSNP rs2490542380, ClinGen allele CA2579127527.

ClinVar aggregate classification (germline): Uncertain significance (1 of 4 stars; one submission).

Conditions:
Familial sleep-related hypermotor epilepsy. Also called: Autosomal Dominant Sleep-Related Hypermotor (Hyperkinetic) Epilepsy. Identifiers: Orphanet 98784, MedGen C3696898, MONDO:0000030.

Submission:

Labcorp Genetics (formerly Invitae), Labcorp
Classification: Uncertain significance. Last evaluated: 2023-10-13. Review status: criteria provided, single submitter. Criteria: Invitae Variant Classification Sherloc (09022015). Collection method: clinical testing. Allele origin: germline.
Comment: This sequence change creates a premature translational stop signal (p.Phe201Leufs*2) in the CHRNA2 gene. It is expected to result in an absent or disrupted protein product. However, the current clinical and genetic evidence is not sufficient to establish whether loss-of-function variants in CHRNA2 cause disease. This variant is not present in population databases (gnomAD no frequency). This variant has not been reported in the literature in individuals affected with CHRNA2-related conditions. This premature translational stop signal has been observed in at least one individual who was not affected with CHRNA2-related conditions (Invitae). In summary, the available evidence is currently insufficient to determine the role of this variant in disease. Therefore, it has been classified as a Variant of Uncertain Significance.